The following is an entry in ClinVar:

ClinVar aggregate classification (germline): Uncertain significance (1 of 4 stars; one submission).

gnomAD v4.1: 10 of 1,613,184 alleles (0.00062%); highest among the groups gnomAD compares: African/African-American, 0.0013%; no homozygotes.

Submission:

Labcorp Genetics (formerly Invitae), Labcorp
Classification: Uncertain significance. Last evaluated: 2021-08-27. Review status: criteria provided, single submitter. Criteria: Invitae Variant Classification Sherloc (09022015). Collection method: clinical testing. Allele origin: germline.
Comment: This sequence change replaces phenylalanine with leucine at codon 3995 of the LRP2 protein (p.Phe3995Leu). The phenylalanine residue is moderately conserved and there is a small physicochemical difference between phenylalanine and leucine. This variant is not present in population databases (ExAC no frequency). This variant has not been reported in the literature in individuals affected with LRP2-related conditions. Advanced modeling of protein sequence and biophysical properties (such as structural, functional, and spatial information, amino acid conservation, physicochemical variation, residue mobility, and thermodynamic stability) performed at Invitae indicates that this missense variant is not expected to disrupt LRP2 protein function. In summary, the available evidence is currently insufficient to determine the role of this variant in disease. Therefore, it has been classified as a Variant of Uncertain Significance.

NM_004525.3(LRP2):c.11985C>A (p.Phe3995Leu)

Gene: LRP2 (LDL receptor related protein 2; minus strand). Cytogenetic location: 2q31.1.
Variant type: single nucleotide variant.
Coding change: c.11985C>A on transcript NM_004525.3 (MANE Select); coding-DNA position 11985, C replaced by A.
Protein change: p.Phe3995Leu; replaces phenylalanine 3995 with leucine.
Molecular consequence: missense variant.
Genome position (GRCh38, 1-based): chr2:169,157,405, G>T on the plus strand (C>A on the coding strand, the complement: LRP2 is on the minus strand). VCF-style: chr2-169157405-G-T. GRCh37 (hg19) VCF-style: chr2-170013915-G-T.
Other names: short protein forms F3995L.
Identifiers: ClinVar variation 1475870 (VCV001475870.5), dbSNP rs138867955, ClinGen allele CA349138281.
Genomic context (GRCh38, chr2:169,157,405, plus strand): 5'-CAGGAATTGGAAAAAATATACTCTACCTAGACAGGAGGTTCTGTCAAAAACATTGGTTTC[G>T]AACCCAGCTGTACAGGAGCAGATAAATCCTCCTTCATTTAATTGGGTACAATTTTGCTCG-3'
Protein context (NP_004516.2, residues 3985-4005): GGFICSCTAG[Phe3995Leu]ETNVFDRTSC